The following is an entry in ClinVar:

ClinVar aggregate classification (germline): Conflicting classifications of pathogenicity. Review status: criteria provided, conflicting classifications (1 of 4 stars). 7 submissions from 7 submitters: Uncertain significance (6); Benign (1). Last evaluated 2026-09-14.

Conditions:
Hereditary nonpolyposis colorectal neoplasms. Identifiers: MedGen C0009405, MeSH D003123.
Endometrial carcinoma. Also called: Endometrial carcinoma, somatic. Identifiers: MedGen C0476089, MONDO:0002447, OMIM 608089, HP:0012114.
Hereditary cancer-predisposing syndrome. Also called: Neoplastic Syndromes, Hereditary; Tumor predisposition; Hereditary Cancer Syndrome; Hereditary neoplastic syndrome. Identifiers: Orphanet 140162, MedGen C0027672, MeSH D009386, MONDO:0015356.
Lynch syndrome. Identifiers: Orphanet 144, MedGen C4552100, MONDO:0005835. Disease mechanism: loss of function.

Allele frequency attached by ClinVar (database versions not stated): gnomAD 0.00001; TOPMed 0.00001; gnomAD exomes 0.00001.
gnomAD v4.1: 8 of 1,614,068 alleles (0.0005%); highest among the groups gnomAD compares: East Asian, 0.013%; no homozygotes.

Submissions (7):

Hema, HEMA – Genetic and Molecular Diagnostic Laboratory
Classification: Uncertain significance for Lynch syndrome. Last evaluated: 2026-09-14. Review status: criteria provided, single submitter. Criteria: HEMA Variant Classification Assertion Criteria. Collection method: clinical testing. Allele origin: germline.
Comment: The c.2615T>C p.(Ile872Thr) variant is a transition from thymine to cytosine, resulting in the substitution of isoleucine 872 with threonine in the MSH6 protein. BP4: The prior probability of pathogenicity score MAPP/PP2 is 0.01 (< 0.11).

Labcorp Genetics (formerly Invitae), Labcorp
Classification: Benign for Hereditary nonpolyposis colorectal neoplasms. Last evaluated: 2026-01-14. Review status: criteria provided, single submitter. Criteria: Invitae Variant Classification Sherloc (09022015). Collection method: clinical testing. Allele origin: germline.

Color Diagnostics, LLC DBA Color Health
Classification: Uncertain significance for Hereditary cancer-predisposing syndrome. Last evaluated: 2025-04-15. Review status: criteria provided, single submitter. Criteria: ACMG Guidelines, 2015. Collection method: clinical testing. Allele origin: germline.
Comment: This missense variant replaces isoleucine with threonine at codon 872 of the MSH6 protein. Computational prediction suggests that this variant may not impact protein structure and function. To our knowledge, functional studies have not been reported for this variant. This variant has not been reported in individuals affected with MSH6-related disorders in the literature. This variant has been identified in 2/250062 chromosomes in the general population by the Genome Aggregation Database (gnomAD). The available evidence is insufficient to determine the role of this variant in disease conclusively. Therefore, this variant is classified as a Variant of Uncertain Significance.

GeneDx
Classification: Uncertain significance. Last evaluated: 2024-06-06. Review status: criteria provided, single submitter. Criteria: GeneDx Variant Classification Process June 2021. Collection method: clinical testing. Allele origin: germline. Affected: yes.
Comment: Not observed at significant frequency in large population cohorts (gnomAD); In silico analysis indicates that this missense variant does not alter protein structure/function; Has not been previously published as pathogenic or benign to our knowledge; This variant is associated with the following publications: (PMID: 17531815, 21120944)

All of Us Research Program, National Institutes of Health
Classification: Uncertain significance for Lynch syndrome. Last evaluated: 2024-03-24. Review status: criteria provided, single submitter. Criteria: ACMG Guidelines, 2015. Collection method: clinical testing. Allele origin: germline. Inheritance: Autosomal dominant inheritance. Observed: 2 variant alleles, 2 heterozygotes.
Comment: This missense variant replaces isoleucine with threonine at codon 872 of the MSH6 protein. Computational prediction suggests that this variant may not impact protein structure and function (internally defined REVEL score threshold <= 0.5, PMID: 27666373). To our knowledge, functional studies have not been reported for this variant. This variant has not been reported in individuals affected with hereditary cancer in the literature. This variant has been identified in 2/250062 chromosomes in the general population by the Genome Aggregation Database (gnomAD). The available evidence is insufficient to determine the role of this variant in disease conclusively. Therefore, this variant is classified as a Variant of Uncertain Significance.

This study involves interpretation of variants in research participants for the purpose of population health screening. Participant phenotype was not available at the time of variant classification. Additional details can be found in publication PMID: 35346344, PMCID: PMC8962531

Ambry Genetics
Classification: Uncertain significance for Hereditary cancer-predisposing syndrome. Last evaluated: 2024-02-09. Review status: criteria provided, single submitter. Criteria: Ambry Variant Classification Scheme 2023. Collection method: clinical testing. Allele origin: germline.
Comment: The p.I872T variant (also known as c.2615T>C), located in coding exon 4 of the MSH6 gene, results from a T to C substitution at nucleotide position 2615. The isoleucine at codon 872 is replaced by threonine, an amino acid with similar properties. This amino acid position is not well conserved in available vertebrate species. In addition, the in silico prediction for this alteration is inconclusive. Based on the available evidence, the clinical significance of this alteration remains unclear.

Baylor Genetics
Classification: Uncertain significance for Endometrial carcinoma. Last evaluated: 2023-10-20. Review status: criteria provided, single submitter. Criteria: ACMG Guidelines, 2015. Collection method: clinical testing. Allele origin: unknown.

NM_000179.3(MSH6):c.2615T>C (p.Ile872Thr)

Gene: MSH6 (mutS homolog 6; plus strand). Cytogenetic location: 2p16.3.
Variant type: single nucleotide variant.
Coding change: c.2615T>C on transcript NM_000179.3 (MANE Select); coding-DNA position 2615, T replaced by C.
Protein change: p.Ile872Thr; replaces isoleucine 872 with threonine.
Molecular consequence: missense variant.
Genome position (GRCh38, 1-based): chr2:47,800,598, T>C. VCF-style: chr2-47800598-T-C. GRCh37 (hg19) VCF-style: chr2-48027737-T-C.
Other names: c.2225T>C, p.Ile742Thr (NM_001281492.2); c.1709T>C, p.Ile570Thr (NM_001281493.2, NM_001281494.2); short protein forms I872T, I742T, I570T.
Identifiers: ClinVar variation 418649 (VCV000418649.31), dbSNP rs1064793342, ClinGen allele CA16617678.